The following is an entry in ClinVar:

ClinVar aggregate classification (germline): Likely benign (1 of 4 stars; one submission).

Allele frequency attached by ClinVar (database versions not stated): gnomAD 0.00001 and 0.00002; gnomAD exomes 0.00002; TOPMed 0.00002; 1000 Genomes Project 30x 0.00031; 1000 Genomes Project 0.00040.
gnomAD v4.1: 12 of 1,535,380 alleles (0.00078%); highest among the groups gnomAD compares: Middle Eastern, 0.046%; no homozygotes.

Submission:

GeneDx
Classification: Likely benign. Last evaluated: 2017-06-12. Review status: criteria provided, single submitter. Criteria: GeneDx Variant Classification (06012015). Collection method: clinical testing. Allele origin: germline. Affected: yes.
Comment: This variant is considered likely benign or benign based on one or more of the following criteria: it is a conservative change, it occurs at a poorly conserved position in the protein, it is predicted to be benign by multiple in silico algorithms, and/or has population frequency not consistent with disease.

NM_000551.4(VHL):c.-29C>A

Gene: VHL (von Hippel-Lindau tumor suppressor; plus strand). Cytogenetic location: 3p25.3.
Variant type: single nucleotide variant.
Coding change: c.-29C>A on transcript NM_000551.4 (MANE Select); 29 bases upstream of the start codon, C replaced by A.
Molecular consequence: 5 prime UTR variant.
Genome position (GRCh38, 1-based): chr3:10,141,819, C>A. VCF-style: chr3-10141819-C-A. GRCh37 (hg19) VCF-style: chr3-10183503-C-A.
Other names: c.-29C>A (NM_001354723.2, NM_198156.3).
Identifiers: ClinVar variation 389597 (VCV000389597.1), dbSNP rs558788270, ClinGen allele CA16604414.